The following is an entry in ClinVar:

NM_002335.4(LRP5):c.2260G>C (p.Val754Leu)

Gene: LRP5 (LDL receptor related protein 5; plus strand). Cytogenetic location: 11q13.2.
Variant type: single nucleotide variant.
Coding change: c.2260G>C on transcript NM_002335.4 (MANE Select); coding-DNA position 2260, G replaced by C.
Protein change: p.Val754Leu; replaces valine 754 with leucine.
Molecular consequence: missense variant.
Genome position (GRCh38, 1-based): chr11:68,410,082, G>C. VCF-style: chr11-68410082-G-C. GRCh37 (hg19) VCF-style: chr11-68177550-G-C.
Other names: c.517G>C, p.Val173Leu (NM_001291902.2); c.2260G>C (NM_002335.2); short protein forms V173L, V754L.
Identifiers: ClinVar variation 1392168 (VCV001392168.8), dbSNP rs755274667, ClinGen allele CA381616618.

ClinVar aggregate classification (germline): Uncertain significance. Review status: criteria provided, multiple submitters, no conflicts (2 of 4 stars). 2 submissions from 2 submitters: Uncertain significance (2). Last evaluated 2025-04-28.

Conditions:
Inborn genetic diseases. Identifiers: MedGen C0950123, MeSH D030342.

Submissions (2):

Labcorp Genetics (formerly Invitae), Labcorp
Classification: Uncertain significance. Last evaluated: 2025-04-28. Review status: criteria provided, single submitter. Criteria: Invitae Variant Classification Sherloc (09022015). Collection method: clinical testing. Allele origin: germline.
Comment: This sequence change replaces valine, which is neutral and non-polar, with leucine, which is neutral and non-polar, at codon 754 of the LRP5 protein (p.Val754Leu). This variant is not present in population databases (gnomAD no frequency). This variant has not been reported in the literature in individuals affected with LRP5-related conditions. ClinVar contains an entry for this variant (Variation ID: 1392168). Invitae Evidence Modeling of protein sequence and biophysical properties (such as structural, functional, and spatial information, amino acid conservation, physicochemical variation, residue mobility, and thermodynamic stability) has been performed for this missense variant. However, the output from this modeling did not meet the statistical confidence thresholds required to predict the impact of this variant on LRP5 protein function. In summary, the available evidence is currently insufficient to determine the role of this variant in disease. Therefore, it has been classified as a Variant of Uncertain Significance.

Ambry Genetics
Classification: Uncertain significance for Inborn genetic diseases. Last evaluated: 2024-07-02. Review status: criteria provided, single submitter. Criteria: Ambry Variant Classification Scheme 2023. Collection method: clinical testing. Allele origin: germline.
Comment: The c.2260G>C (p.V754L) alteration is located in exon 10 (coding exon 10) of the LRP5 gene. This alteration results from a G to C substitution at nucleotide position 2260, causing the valine (V) at amino acid position 754 to be replaced by a leucine (L). This variant was not reported in population-based cohorts in the Genome Aggregation Database (gnomAD). This amino acid position is highly conserved in available vertebrate species. This alteration is predicted to be deleterious by in silico analysis. Based on insufficient or conflicting evidence, the clinical significance of this alteration remains unclear.